The following is an entry in ClinVar:

ClinVar aggregate classification (germline): Likely pathogenic (1 of 4 stars; one submission).

Conditions:
Arrhythmogenic right ventricular dysplasia 9 (ARVD9). Also called: ARRHYTHMOGENIC RIGHT VENTRICULAR DYSPLASIA, FAMILIAL, 9; Arrhythmogenic Right Ventricular Dysplasia/Cardiomyopathy 9. Identifiers: MedGen C1836906, MONDO:0012180, OMIM 609040.

Submission:

Labcorp Genetics (formerly Invitae), Labcorp
Classification: Likely pathogenic for Arrhythmogenic right ventricular dysplasia 9. Last evaluated: 2023-02-01. Review status: criteria provided, single submitter. Criteria: Invitae Variant Classification Sherloc (09022015). Collection method: clinical testing. Allele origin: germline.
Comment: This variant results in the deletion of part of exon 3 (c.923_1034+262del) of the PKP2 gene. It is expected to disrupt RNA splicing. Variants that disrupt the donor or acceptor splice site typically lead to a loss of protein function (PMID: 16199547), and loss-of-function variants in PKP2 are known to be pathogenic (PMID: 15489853, 23911551). This variant is not present in population databases (gnomAD no frequency). This variant has not been reported in the literature in individuals affected with PKP2-related conditions. This variant disrupts a region of the PKP2 protein in which other variant(s) (p.Ala326Thr) have been observed in individuals with PKP2-related conditions (PMID: 28431057). This suggests that this is a clinically significant region of the protein, and that variants that disrupt it are likely to be disease-causing. In summary, the currently available evidence indicates that the variant is pathogenic, but additional data are needed to prove that conclusively. Therefore, this variant has been classified as Likely Pathogenic.

Literature cited by the submitters: PubMed 16199547; PubMed 15489853; PubMed 23911551; PubMed 28431057.

NM_001005242.3(PKP2):c.923_1034+262del

Gene: PKP2 (plakophilin 2; minus strand). Cytogenetic location: 12p11.21.
Variant type: Deletion.
Coding change: c.923_1034+262del on transcript NM_001005242.3 (MANE Select); coding-DNA position 923 through 262 bases into the intron after coding-DNA position 1034, 374 bases deleted.
Molecular consequence: splice donor variant.
Genome position (GRCh38, 1-based): chr12:32,877,584-32,877,957, 374 bases deleted. GRCh37 (hg19): chr12:33,030,520-33,030,893.
Other names: c.923_1034+262del (NM_001407156.1, NM_001407155.1, NM_004572.4 and 2 more transcripts); c.596_707+262del (NM_001407160.1, NM_001407159.1, NM_001407158.1 and 1 more transcripts).
Identifiers: ClinVar variation 2833786 (VCV002833786.3), dbSNP rs2541336939, ClinGen allele CA2739271914.